The following is an entry in ClinVar:

ClinVar aggregate classification (germline): Pathogenic (1 of 4 stars; one submission).

Submission:

Labcorp Genetics (formerly Invitae), Labcorp
Classification: Pathogenic. Last evaluated: 2023-05-08. Review status: criteria provided, single submitter. Criteria: Invitae Variant Classification Sherloc (09022015). Collection method: clinical testing. Allele origin: germline.
Comment: This sequence change creates a premature translational stop signal (p.Gln76*) in the ABCB11 gene. It is expected to result in an absent or disrupted protein product. Loss-of-function variants in ABCB11 are known to be pathogenic (PMID: 18395098, 20232290). For these reasons, this variant has been classified as Pathogenic. Algorithms developed to predict the effect of sequence changes on RNA splicing suggest that this variant may disrupt the consensus splice site. This variant has not been reported in the literature in individuals affected with ABCB11-related conditions. This variant is not present in population databases (gnomAD no frequency).

Literature cited by the submitters: PubMed 18395098; PubMed 20232290.

NM_003742.4(ABCB11):c.226C>T (p.Gln76Ter)

Gene: ABCB11 (ATP binding cassette subfamily B member 11; minus strand). Cytogenetic location: 2q31.1.
Variant type: single nucleotide variant.
Coding change: c.226C>T on transcript NM_003742.4 (MANE Select); coding-DNA position 226, C replaced by T.
Protein change: p.Gln76Ter; replaces glutamine 76 with a stop codon.
Molecular consequence: nonsense.
Genome position (GRCh38, 1-based): chr2:169,013,435, G>A on the plus strand (C>T on the coding strand, the complement: ABCB11 is on the minus strand). VCF-style: chr2-169013435-G-A. GRCh37 (hg19) VCF-style: chr2-169869945-G-A.
Other names: short protein forms Q76*.
Identifiers: ClinVar variation 2862653 (VCV002862653.3), dbSNP rs2545485020, ClinGen allele CA349105344.
Genomic context (GRCh38, chr2:169,013,435, plus strand): 5'-CAACGTCGTAGTCAATAAAAACATCTGTCATTGTGCCAAAAATGAGTAGCACGCCTGGCT[G>A]GGCTATTCCATGGAGAAATGCACACAAACTTCCCACAAACATCAGCCAAATGTCAGTTGA-3'